The following is an entry in ClinVar:

ClinVar aggregate classification (germline): Uncertain significance. Review status: criteria provided, multiple submitters, no conflicts (2 of 4 stars). 2 submissions from 2 submitters: Uncertain significance (2). Last evaluated 2022-06-28.

Submissions (2):

GeneDx
Classification: Uncertain significance. Last evaluated: 2022-06-28. Review status: criteria provided, single submitter. Criteria: GeneDx Variant Classification Process June 2021. Collection method: clinical testing. Allele origin: germline. Affected: yes.
Comment: Not observed at significant frequency in large population cohorts (gnomAD); In silico analysis supports that this missense variant does not alter protein structure/function; Has not been previously published as pathogenic or benign to our knowledge

Eurofins Ntd Llc (ga)
Classification: Uncertain significance. Last evaluated: 2018-05-18. Review status: criteria provided, single submitter. Criteria: EGL ClinVar v180209 classification definitions. Collection method: clinical testing. Allele origin: germline. Observed: 1 variant allele, 1 heterozygote.

NM_182961.4(SYNE1):c.8741G>A (p.Ser2914Asn)

Genes: SYNE1 (spectrin repeat containing nuclear envelope protein 1; minus strand), SYNE1-AS1 (SYNE1 antisense RNA 1; plus strand). Cytogenetic location: 6q25.2.
Variant type: single nucleotide variant.
Coding change: c.8741G>A on transcript NM_182961.4 (MANE Select); coding-DNA position 8741, G replaced by A.
Protein change: p.Ser2914Asn; replaces serine 2914 with asparagine.
Molecular consequence: missense variant. On other transcripts: non-coding transcript variant (1).
Genome position (GRCh38, 1-based): chr6:152,381,274, C>T on the plus strand (G>A on the coding strand, the complement: SYNE1 is on the minus strand). VCF-style: chr6-152381274-C-T. GRCh37 (hg19) VCF-style: chr6-152702409-C-T.
Other names: c.8762G>A, p.Ser2921Asn (NM_033071.5); short protein forms S2914N, S2921N.
Identifiers: ClinVar variation 597164 (VCV000597164.6), dbSNP rs1563553423, ClinGen allele CA366144614.